The following is an entry in ClinVar:

ClinVar aggregate classification (germline): Uncertain significance. Review status: criteria provided, multiple submitters, no conflicts (2 of 4 stars). 3 submissions from 3 submitters: Uncertain significance (3). Last evaluated 2023-10-02.

Conditions:
Neuropathy, hereditary sensory and autonomic, type 2A (HSAN2A). Also called: ACROOSTEOLYSIS, NEUROGENIC; ACROOSTEOLYSIS, GIACCAI TYPE; MORVAN DISEASE; NEUROPATHY, CONGENITAL SENSORY; NEUROPATHY, HEREDITARY SENSORY RADICULAR, AUTOSOMAL RECESSIVE; NEUROPATHY, HEREDITARY SENSORY, TYPE IIA. Identifiers: Orphanet 970, MedGen C2752089, MONDO:0024309, OMIM 201300.
Generalized epilepsy with febrile seizures plus, type 7 (GEFSP7). Also called: GEFS+, TYPE 7. Identifiers: Orphanet 36387, MedGen C2751778, MONDO:0013470, OMIM 613863.
Inborn genetic diseases. Identifiers: MedGen C0950123, MeSH D030342.

Allele frequency attached by ClinVar (database versions not stated): gnomAD exomes 0.00002 and 0.00004; TOPMed 0.00002; ExAC 0.00004; gnomAD 0.00004 and 0.00007; ESP Exome Variant Server 0.00008; 1000 Genomes Project 30x 0.00016; 1000 Genomes Project 0.00020.
gnomAD v4.1: 69 of 1,551,286 alleles (0.0044%); highest among the groups gnomAD compares: East Asian, 0.11%; no homozygotes.

Submissions (3):

Ambry Genetics
Classification: Uncertain significance for Inborn genetic diseases. Last evaluated: 2023-10-02. Review status: criteria provided, single submitter. Criteria: Ambry Variant Classification Scheme 2023. Collection method: clinical testing. Allele origin: germline.

Labcorp Genetics (formerly Invitae), Labcorp
Classification: Uncertain significance for Neuropathy, hereditary sensory and autonomic, type 2A; Generalized epilepsy with febrile seizures plus, type 7. Last evaluated: 2022-09-13. Review status: criteria provided, single submitter. Criteria: Invitae Variant Classification Sherloc (09022015). Collection method: clinical testing. Allele origin: germline.
Comment: ClinVar contains an entry for this variant (Variation ID: 471082). This variant has not been reported in the literature in individuals affected with SCN9A-related conditions. The frequency data for this variant in the population databases is considered unreliable, as metrics indicate poor data quality at this position in the gnomAD database. This sequence change replaces alanine, which is neutral and non-polar, with valine, which is neutral and non-polar, at codon 444 of the SCN9A protein (p.Ala444Val). Algorithms developed to predict the effect of missense changes on protein structure and function output the following: SIFT: "Tolerated"; PolyPhen-2: "Benign"; Align-GVGD: "Class C0". The valine amino acid residue is found in multiple mammalian species, which suggests that this missense change does not adversely affect protein function. In summary, the available evidence is currently insufficient to determine the role of this variant in disease. Therefore, it has been classified as a Variant of Uncertain Significance.

GeneDx
Classification: Uncertain significance. Last evaluated: 2020-12-28. Review status: criteria provided, single submitter. Criteria: GeneDx Variant Classification Process June 2021. Collection method: clinical testing. Allele origin: germline. Affected: yes.
Comment: In silico analysis supports that this missense variant does not alter protein structure/function; Has not been previously published as pathogenic or benign to our knowledge

NM_001365536.1(SCN9A):c.1331C>T (p.Ala444Val)

Genes: SCN9A (sodium voltage-gated channel alpha subunit 9; minus strand), SCN1A-AS1 (SCN1A and SCN9A antisense RNA 1; plus strand). Cytogenetic location: 2q24.3.
Variant type: single nucleotide variant.
Coding change: c.1331C>T on transcript NM_001365536.1 (MANE Select); coding-DNA position 1331, C replaced by T.
Protein change: p.Ala444Val; replaces alanine 444 with valine.
Molecular consequence: missense variant.
Genome position (GRCh38, 1-based): chr2:166,286,607, G>A on the plus strand (C>T on the coding strand, the complement: SCN9A is on the minus strand). VCF-style: chr2-166286607-G-A. GRCh37 (hg19) VCF-style: chr2-167143117-G-A.
Other names: c.1331C>T, p.Ala444Val (NM_002977.4); short protein forms A444V.
Identifiers: ClinVar variation 471082 (VCV000471082.13), dbSNP rs143430080, ClinGen allele CA1944528.
Genomic context (GRCh38, chr2:166,286,607, plus strand): 5'-TCAGAAGAACTCTCTGAGAGGCCCATAATTCTGCTTCTCCTAATACTTGTATATTCAGCC[G>A]CTGCCGCTGCAATTGCCTGGTTGGGCCAAGACGTTAACACTTAAATGAGTCATTTCCAAA-3'
Protein context (NP_001352465.1, residues 434-454): QEEAEAIAAA[Ala444Val]AEYTSIRRSR